The following is an entry in ClinVar:

ClinVar aggregate classification (germline): Uncertain significance (1 of 4 stars; one submission).

Conditions:
Hereditary cancer-predisposing syndrome. Also called: Neoplastic Syndromes, Hereditary; Tumor predisposition; Hereditary neoplastic syndrome; Hereditary Cancer Syndrome. Identifiers: Orphanet 140162, MedGen C0027672, MeSH D009386, MONDO:0015356.

Submission:

Ambry Genetics
Classification: Uncertain significance for Hereditary cancer-predisposing syndrome. Last evaluated: 2026-07-07. Review status: criteria provided, single submitter. Criteria: Ambry Variant Classification Scheme 2023. Collection method: clinical testing. Allele origin: germline.
Comment: The p.E119D variant (also known as c.357G>T), located in coding exon 3 of the SUFU gene, results from a G to T substitution at nucleotide position 357. The glutamic acid at codon 119 is replaced by aspartic acid, an amino acid with highly similar properties. This amino acid position is conserved. In addition, this alteration is predicted to be deleterious by in silico analysis. Based on the available evidence, the clinical significance of this variant remains unclear.

NM_016169.4(SUFU):c.357G>T (p.Glu119Asp)

Gene: SUFU (SUFU negative regulator of hedgehog signaling; plus strand). Cytogenetic location: 10q24.32.
Variant type: single nucleotide variant.
Coding change: c.357G>T on transcript NM_016169.4 (MANE Select); coding-DNA position 357, G replaced by T.
Protein change: p.Glu119Asp; replaces glutamic acid 119 with aspartic acid.
Molecular consequence: missense variant.
Genome position (GRCh38, 1-based): chr10:102,550,009, G>T. VCF-style: chr10-102550009-G-T. GRCh37 (hg19) VCF-style: chr10-104309766-G-T.
Other names: c.357G>T, p.Glu119Asp (NM_001178133.2); short protein forms E119D.
Identifiers: ClinVar variation 5030410 (VCV005030410.1).